The following is an entry in ClinVar:

ClinVar aggregate classification (germline): Conflicting classifications of pathogenicity. Review status: criteria provided, conflicting classifications (1 of 4 stars). 5 submissions from 5 submitters: Pathogenic (1); Uncertain significance (3). 1 of the submissions does not count toward it. Last evaluated 2025-09-18.

Conditions:
CFTR-related disorder (CFTR-RD). Also called: CFTR-related condition; CFTR-related disorders. Identifiers: MedGen C5924204, MONDO:7770004.
Cystic fibrosis (CF). Also called: MUCOVISCIDOSIS. Identifiers: Orphanet 586, MedGen C0010674, MONDO:0009061, OMIM 219700. Disease mechanism: loss of function.

Allele frequency attached by ClinVar (database versions not stated): gnomAD exomes below 0.00001; TOPMed 0.00001.
gnomAD v4.1: 3 of 1,607,908 alleles (0.00019%); highest among the groups gnomAD compares: Non-Finnish European, 0.00017%; no homozygotes.

Submissions (5):

Women's Health and Genetics/Laboratory Corporation of America, LabCorp
Classification: Uncertain significance. Last evaluated: 2025-09-18. Review status: criteria provided, single submitter. Criteria: LabCorp Variant Classification Summary - May 2015. Collection method: clinical testing. Allele origin: germline.
Comment: Variant summary: CFTR c.3461A>G (p.Asp1154Gly) results in a non-conservative amino acid change located in the ABC transporter type 1, transmembrane domain (IPR011527) of the encoded protein sequence. Algorithms developed to predict the effect of missense changes on protein structure and function are either unavailable or do not agree on the potential impact of this missense change. The variant allele was found at a frequency of 4e-06 in 250930 control chromosomes. c.3461A>G has been observed as a non-informative genotype (second allele not specified) in individuals affected with CBAVD/CAVD and Cystic Fibrosis (Claustres_2000, Green_2010, Yang_2015). These report(s) do not provide unequivocal conclusions about association of the variant with Cystic Fibrosis/CFTR-related disorders. At least one publication reports experimental evidence evaluating an impact on protein function. The most pronounced variant effect results in impaired chloride channel activity (Vankeerberghen_1998). The following publications have been ascertained in the context of this evaluation (PMID: 10923036, 20932301, 9804160, 26277102). CFTR-France database has submitted clinical-significance assessments for this variant to ClinVar after 2014 without evidence for independent evaluation and classified the variant as pathogenic. ClinVar contains an entry for this variant (Variation ID: 53749). Based on the evidence outlined above, the variant was classified as VUS-possibly pathogenic.

Ambry Genetics
Classification: Uncertain significance for Cystic fibrosis. Last evaluated: 2024-07-24. Review status: criteria provided, single submitter. Criteria: Ambry Variant Classification Scheme 2023. Collection method: clinical testing. Allele origin: germline.
Comment: The p.D1154G variant (also known as c.3461A>G), located in coding exon 21 of the CFTR gene, results from an A to G substitution at nucleotide position 3461. The aspartic acid at codon 1154 is replaced by glycine, an amino acid with similar properties. In one functional study, this alteration impacted the proper gating of the chloride channel (Vankeerberghen A et al. FEBS Lett, 1998 Oct;437:1-4). This amino acid position is highly conserved in available vertebrate species. In addition, this alteration is predicted to be deleterious by in silico analysis. Based on the available evidence, the clinical significance of this variant remains unclear.

GeneDx
Classification: Uncertain significance. Last evaluated: 2023-05-30. Review status: criteria provided, single submitter. Criteria: GeneDx Variant Classification Process June 2021. Collection method: clinical testing. Allele origin: germline. Affected: yes.
Comment: Observed in at least one individual with congenital absence of the vas deferens who also harbored a second CFTR variant, but segregation data and additional clinical information was not included (Claustres et al., 2000; Costes et al., 1995; De Braekeleer et al., 1996); Not observed at significant frequency in large population cohorts (gnomAD); In silico analysis supports that this missense variant has a deleterious effect on protein structure/function; This variant is associated with the following publications: (PMID: 28603918, 20059485, 9804160, 31674704, 8556303, 9239681, 16442101, 12940920, 10923036)

CFTR-France
Classification: Pathogenic for CFTR-related disorders. Last evaluated: 2018-01-29. Review status: criteria provided, single submitter. Criteria: Claustres M et al. (Hum Mutat 2017). Collection method: curation. Allele origin: germline. Affected: yes.

ClinVar Staff, National Center for Biotechnology Information (NCBI)
No classification provided. Condition: CFTR-related disorders. Review status: no classification provided. Collection method: literature only. Allele origin: germline. Affected: yes. Not counted in ClinVar's aggregate classification.

Literature cited by the submitters: PubMed 10923036 (cited by Women's Health and Genetics/Laboratory Corporation of America, LabCorp); PubMed 9804160 (cited by 3 submitters); PubMed 20932301 (cited by Women's Health and Genetics/Laboratory Corporation of America, LabCorp); PubMed 26277102 (cited by Women's Health and Genetics/Laboratory Corporation of America, LabCorp); PubMed 20059485 (cited by ClinVar Staff, National Center for Biotechnology Information (NCBI)).

NM_000492.4(CFTR):c.3461A>G (p.Asp1154Gly)

Genes: CFTR-AS2 (CFTR antisense RNA 2; minus strand), CFTR (CF transmembrane conductance regulator; plus strand). Cytogenetic location: 7q31.2.
Variant type: single nucleotide variant.
Coding change: c.3461A>G on transcript NM_000492.4 (MANE Select); coding-DNA position 3461, A replaced by G.
Protein change: p.Asp1154Gly; replaces aspartic acid 1154 with glycine.
Molecular consequence: missense variant.
Genome position (GRCh38, 1-based): chr7:117,614,706, A>G. VCF-style: chr7-117614706-A-G. GRCh37 (hg19) VCF-style: chr7-117254760-A-G.
Other names: short protein forms D1154G.
Identifiers: ClinVar variation 53749 (VCV000053749.6), dbSNP rs397508569, ClinGen allele CA327198.
Genomic context (GRCh38, chr7:117,614,706, plus strand): 5'-CTTTAGCCATGAATATCATGAGTACATTGCAGTGGGCTGTAAACTCCAGCATAGATGTGG[A>G]TAGCTTGGTAAGTCTTATCATCTTTTTAACTTTTATGAAAAAAATTCAGACAAGTAACAA-3'
Protein context (NP_000483.3, residues 1144-1164): QWAVNSSIDV[Asp1154Gly]SLMRSVSRVF